The following is an entry in ClinVar:

NM_152564.5(VPS13B):c.7048C>T (p.Gln2350Ter)

Gene: VPS13B (vacuolar protein sorting 13 homolog B; plus strand). Cytogenetic location: 8q22.2.
Variant type: single nucleotide variant.
Coding change: c.7048C>T on transcript NM_152564.5 (MANE Select); coding-DNA position 7048, C replaced by T.
Protein change: p.Gln2350Ter; replaces glutamine 2350 with a stop codon.
Molecular consequence: nonsense.
Genome position (GRCh38, 1-based): chr8:99,721,045, C>T. VCF-style: chr8-99721045-C-T. GRCh37 (hg19) VCF-style: chr8-100733273-C-T.
Other names: c.7123C>T, p.Gln2375Ter (NM_017890.5); short protein forms Q2350*, Q2375*.
Identifiers: ClinVar variation 504191 (VCV000504191.13), dbSNP rs767858119, ClinGen allele CA4824127.

ClinVar aggregate classification (germline): Pathogenic/Likely pathogenic. Review status: criteria provided, multiple submitters, no conflicts (2 of 4 stars). 4 submissions from 4 submitters: Pathogenic (2); Likely pathogenic (1). 1 of the submissions does not count toward it. Last evaluated 2026-10-14.

Conditions:
Cohen syndrome (COH1). Also called: PEPPER SYNDROME; Cutis verticis gyrata, retinitis pigmentosa, and sensorineural deafness. Identifiers: Orphanet 193, MedGen C0265223, MONDO:0008999, OMIM 216550.

Allele frequency attached by ClinVar (database versions not stated): ExAC 0.00001; gnomAD exomes below 0.00001.
gnomAD v4.1: 2 of 1,613,836 alleles (0.00012%); highest among the groups gnomAD compares: Admixed American, 0.0017%; no homozygotes.

Submissions (4):

GeneDx
Classification: Likely pathogenic. Last evaluated: 2026-10-14. Review status: criteria provided, single submitter. Criteria: GeneDx Variant Classification Process June 2021. Collection method: clinical testing. Allele origin: germline.
Comment: Nonsense variant predicted to result in protein truncation or nonsense mediated decay in a gene for which loss of function is a known mechanism of disease; Not observed at significant frequency in large population cohorts (gnomAD); Has not been previously published as pathogenic or benign to our knowledge

Women's Health and Genetics/Laboratory Corporation of America, LabCorp
Classification: Pathogenic for Cohen syndrome. Last evaluated: 2026-06-24. Review status: criteria provided, single submitter. Criteria: LabCorp Variant Classification Summary - May 2015. Collection method: clinical testing. Allele origin: germline.
Comment: Variant summary: VPS13B c.7123C>T (p.Gln2375X) results in a premature termination codon, predicted to cause a truncation of the encoded protein or absence of the protein due to nonsense mediated decay, which are commonly known mechanisms for disease. The variant allele was found at a frequency of 4e-06 in 250972 control chromosomes. To our knowledge, no occurrence of c.7123C>T in individuals affected with VPS13B-related conditions and no experimental evidence demonstrating its impact on protein function have been reported. ClinVar contains an entry for this variant (Variation ID: 504191). Based on the evidence outlined above, the variant was classified as pathogenic.

Labcorp Genetics (formerly Invitae), Labcorp
Classification: Pathogenic for Cohen syndrome. Last evaluated: 2023-11-20. Review status: criteria provided, single submitter. Criteria: Invitae Variant Classification Sherloc (09022015). Collection method: clinical testing. Allele origin: germline.
Comment: This sequence change creates a premature translational stop signal (p.Gln2375*) in the VPS13B gene. It is expected to result in an absent or disrupted protein product. Loss-of-function variants in VPS13B are known to be pathogenic (PMID: 15141358, 16648375, 20461111). This variant is present in population databases (rs767858119, gnomAD 0.003%). This variant has not been reported in the literature in individuals affected with VPS13B-related conditions. ClinVar contains an entry for this variant (Variation ID: 504191). For these reasons, this variant has been classified as Pathogenic.

Counsyl
Classification: Likely pathogenic for Cohen syndrome. Last evaluated: 2014-04-20. Review status: no assertion criteria provided. Collection method: clinical testing. Allele origin: unknown. Not counted in ClinVar's aggregate classification.

Literature cited by the submitters: PubMed 15141358 (cited by Labcorp Genetics (formerly Invitae), Labcorp); PubMed 16648375 (cited by Labcorp Genetics (formerly Invitae), Labcorp); PubMed 20461111 (cited by Labcorp Genetics (formerly Invitae), Labcorp).